The following is an entry in ClinVar:

NM_000218.3(KCNQ1):c.1323C>T (p.Pro441=)

Gene: KCNQ1 (potassium voltage-gated channel subfamily Q member 1; plus strand). Cytogenetic location: 11p15.5.
Variant type: single nucleotide variant.
Coding change: c.1323C>T on transcript NM_000218.3 (MANE Select); coding-DNA position 1323, C replaced by T.
Protein change: p.Pro441=; no amino-acid change (proline 441 retained).
Molecular consequence: synonymous variant.
Genome position (GRCh38, 1-based): chr11:2,588,784, C>T. VCF-style: chr11-2588784-C-T. GRCh37 (hg19) VCF-style: chr11-2610014-C-T.
Other names: c.1227C>T, p.Pro409= (NM_001406836.1); c.1053C>T, p.Pro351= (NM_001406837.1); c.783C>T, p.Pro261= (NM_001406838.1); c.942C>T, p.Pro314= (NM_181798.2).
Identifiers: ClinVar variation 495738 (VCV000495738.18), dbSNP rs145452045, ClinGen allele CA028577.

ClinVar aggregate classification (germline): Likely benign. Review status: criteria provided, multiple submitters, no conflicts (2 of 4 stars). 5 submissions from 5 submitters: Likely benign (5). Last evaluated 2025-12-13.

Conditions:
Cardiovascular phenotype. Identifiers: MedGen CN230736.
Cardiac arrhythmia. Also called: Arrhythmia; Cardiac rhythm disease. Identifiers: MedGen C0003811, MONDO:0007263, HP:0011675.
Long QT syndrome (LQTS). Identifiers: MedGen C0023976, MeSH D008133, MONDO:0002442. Disease mechanism: loss of function. Inheritance: Various modes of inheritance.

Allele frequency attached by ClinVar (database versions not stated): gnomAD exomes 0.00001 and 0.00002; ExAC 0.00002; TOPMed 0.00006; gnomAD 0.00007 and 0.00008; ESP Exome Variant Server 0.00015.
gnomAD v4.1: 38 of 1,613,334 alleles (0.0024%); highest among the groups gnomAD compares: African/African-American, 0.027%; no homozygotes.

Submissions (5):

Labcorp Genetics (formerly Invitae), Labcorp
Classification: Likely benign for Long QT syndrome. Last evaluated: 2025-12-13. Review status: criteria provided, single submitter. Criteria: Invitae Variant Classification Sherloc (09022015). Collection method: clinical testing. Allele origin: germline.

All of Us Research Program, National Institutes of Health
Classification: Likely benign for Long QT syndrome. Last evaluated: 2024-03-24. Review status: criteria provided, single submitter. Criteria: ACMG Guidelines, 2015. Collection method: clinical testing. Allele origin: germline. Inheritance: Autosomal dominant inheritance. Observed: 3 variant alleles, 3 heterozygotes.
Comment: This study involves interpretation of variants in research participants for the purpose of population health screening. Participant phenotype was not available at the time of variant classification. Additional details can be found in publication PMID: 35346344, PMCID: PMC8962531

Color Diagnostics, LLC DBA Color Health
Classification: Likely benign for Cardiac arrhythmia. Last evaluated: 2021-11-24. Review status: criteria provided, single submitter. Criteria: ACMG Guidelines, 2015. Collection method: clinical testing. Allele origin: germline.

Ambry Genetics
Classification: Likely benign for Cardiovascular phenotype. Last evaluated: 2020-08-20. Review status: criteria provided, single submitter. Criteria: Ambry Variant Classification Scheme 2023. Collection method: clinical testing. Allele origin: germline.

Women's Health and Genetics/Laboratory Corporation of America, LabCorp
Classification: Likely benign. Last evaluated: 2016-05-16. Review status: criteria provided, single submitter. Criteria: LabCorp Variant Classification Summary - May 2015. Collection method: clinical testing. Allele origin: germline.
Comment: Variant summary: The KCNQ1 c.1323C>T (p.Pro441Pro) variant involves the alteration of a non-conserved nucleotide, resulting in a synonymous change. One in silico tool predicts a damaging outcome while 5/5 in silico splice prediction algorithms predict the variant not to have an impact on splicing. This variant was observed in the African subpopulation at a frequency of 0.0001988 (2/10062). This frequency is about 2 times the estimated maximal expected allele frequency of a pathogenic KCNQ1 variant (0.0001), suggesting this is likely a benign polymorphism. To our knowledge, the variant was not reported in affected patients with strong evidence for pathogenicity. In an internal sample, the variant was observed to co-occur with a pathogenic KCNQ1 variant further supporting a neutral outcome. Taken together, this variant is classified as Likely Benign.

Literature cited by the submitters: PubMed 25639344 (cited by Women's Health and Genetics/Laboratory Corporation of America, LabCorp).